The following is an entry in ClinVar:

ClinVar aggregate classification (germline): Uncertain significance (1 of 4 stars; one submission).

Conditions:
DK1-congenital disorder of glycosylation. Also called: DK1-CDG; CDG Im; DK1 DEFICIENCY; DOLICHOL KINASE DEFICIENCY; CONGENITAL DISORDER OF GLYCOSYLATION, TYPE Im; DOLK-congenital disorder of glycosylation. Identifiers: Orphanet 91131, MedGen C1835849, MONDO:0012556, OMIM 610768.

Submission:

Labcorp Genetics (formerly Invitae), Labcorp
Classification: Uncertain significance for DK1-congenital disorder of glycosylation. Last evaluated: 2020-10-06. Review status: criteria provided, single submitter. Criteria: Invitae Variant Classification Sherloc (09022015). Collection method: clinical testing. Allele origin: germline.
Comment: This variant has not been reported in the literature in individuals with DOLK-related conditions. This variant is not present in population databases (ExAC no frequency). This sequence change replaces isoleucine with threonine at codon 353 of the DOLK protein (p.Ile353Thr). The isoleucine residue is moderately conserved and there is a moderate physicochemical difference between isoleucine and threonine. In summary, the available evidence is currently insufficient to determine the role of this variant in disease. Therefore, it has been classified as a Variant of Uncertain Significance. Algorithms developed to predict the effect of missense changes on protein structure and function (SIFT, PolyPhen-2, Align-GVGD) all suggest that this variant is likely to be tolerated, but these predictions have not been confirmed by published functional studies and their clinical significance is uncertain.

NM_014908.4(DOLK):c.1058T>C (p.Ile353Thr)

Gene: DOLK (dolichol kinase; minus strand). Cytogenetic location: 9q34.11.
Variant type: single nucleotide variant.
Coding change: c.1058T>C on transcript NM_014908.4 (MANE Select); coding-DNA position 1058, T replaced by C.
Protein change: p.Ile353Thr; replaces isoleucine 353 with threonine.
Molecular consequence: missense variant.
Genome position (GRCh38, 1-based): chr9:128,946,246, A>G on the plus strand (T>C on the coding strand, the complement: DOLK is on the minus strand). VCF-style: chr9-128946246-A-G. GRCh37 (hg19) VCF-style: chr9-131708525-A-G.
Other names: short protein forms I353T.
Identifiers: ClinVar variation 1060185 (VCV001060185.9), dbSNP rs2131127590, ClinGen allele CA375120429.